The following is an entry in ClinVar:

ClinVar aggregate classification (germline): Uncertain significance (1 of 4 stars; one submission).

Conditions:
Short-rib thoracic dysplasia 10 with or without polydactyly (SRTD10). Identifiers: Orphanet 474, MedGen C3810175, MONDO:0014284, OMIM 615630.
Retinitis pigmentosa 71 (RP71). Identifiers: Orphanet 791, MedGen C4225342, MONDO:0014618, OMIM 616394.

Submission:

Labcorp Genetics (formerly Invitae), Labcorp
Classification: Uncertain significance for Retinitis pigmentosa 71; Short-rib thoracic dysplasia 10 with or without polydactyly. Last evaluated: 2025-07-29. Review status: criteria provided, single submitter. Criteria: Invitae Variant Classification Sherloc (09022015). Collection method: clinical testing. Allele origin: germline.
Comment: This sequence change replaces tyrosine, which is neutral and polar, with cysteine, which is neutral and slightly polar, at codon 914 of the IFT172 protein (p.Tyr914Cys). This variant is not present in population databases (gnomAD no frequency). This variant has not been reported in the literature in individuals affected with IFT172-related conditions. ClinVar contains an entry for this variant (Variation ID: 1497972). Invitae Evidence Modeling of protein sequence and biophysical properties (such as structural, functional, and spatial information, amino acid conservation, physicochemical variation, residue mobility, and thermodynamic stability) has been performed for this missense variant. However, the output from this modeling did not meet the statistical confidence thresholds required to predict the impact of this variant on IFT172 protein function. In summary, the available evidence is currently insufficient to determine the role of this variant in disease. Therefore, it has been classified as a Variant of Uncertain Significance.

NM_015662.3(IFT172):c.2741A>G (p.Tyr914Cys)

Genes: IFT172 (intraflagellar transport 172; minus strand), LOC126806174 (CDK7 strongly-dependent group 2 enhancer GRCh37_chr2:27681686-27682885; plus strand). Cytogenetic location: 2p23.3.
Variant type: single nucleotide variant.
Coding change: c.2741A>G on transcript NM_015662.3 (MANE Select); coding-DNA position 2741, A replaced by G.
Protein change: p.Tyr914Cys; replaces tyrosine 914 with cysteine.
Molecular consequence: missense variant.
Genome position (GRCh38, 1-based): chr2:27,459,424, T>C on the plus strand (A>G on the coding strand, the complement: IFT172 is on the minus strand). VCF-style: chr2-27459424-T-C. GRCh37 (hg19) VCF-style: chr2-27682291-T-C.
Other names: short protein forms Y914C.
Identifiers: ClinVar variation 1497972 (VCV001497972.8), dbSNP rs2148501580, ClinGen allele CA346382237.
Genomic context (GRCh38, chr2:27,459,424, plus strand): 5'-GGACTCTTCCTCACCTCATACTCCTGCAGGGATGCATAGTGTTGGGCCACGAGAGGATAG[T>C]ATTTGGATGCAGTGTTCCGGTCCTGTAGATCTAATATATAAATTGCCTTCTTCCACTGGC-3'
Protein context (NP_056477.1, residues 904-924): DLQDRNTASK[Tyr914Cys]YPLVAQHYAS